The following is an entry in ClinVar:

ClinVar aggregate classification (germline): Benign/Likely benign. Review status: criteria provided, multiple submitters, no conflicts (2 of 4 stars). 4 submissions from 4 submitters: Benign (1); Likely benign (2). 1 of the submissions does not count toward it. Last evaluated 2024-11-27.

Conditions:
TENM4-related disorder. Also called: TENM4-related condition.

Allele frequency attached by ClinVar (database versions not stated): 1000 Genomes Project 0.00339; 1000 Genomes Project 30x 0.00390; ESP Exome Variant Server 0.01369.
gnomAD v4.1: 29,876 of 1,614,018 alleles (1.9%); highest among the groups gnomAD compares: Non-Finnish European, 2.3%; 364 homozygotes.

Submissions (4):

Blueprint Genetics
Classification: Likely benign. Last evaluated: 2024-11-27. Review status: criteria provided, single submitter. Criteria: ACMG Guidelines, 2015. Collection method: clinical testing. Allele origin: germline.

Mayo Clinic Laboratories, Mayo Clinic
Classification: Benign. Last evaluated: 2023-02-27. Review status: criteria provided, single submitter. Criteria: ACMG Guidelines, 2015. Collection method: clinical testing. Allele origin: germline. Observed: 22 variant alleles.
Comment: BS1, BS2, BP4

Ambry Genetics
Classification: Likely benign. Last evaluated: 2023-02-15. Review status: criteria provided, single submitter. Criteria: Ambry Variant Classification Scheme 2023. Collection method: clinical testing. Allele origin: germline.

PreventionGenetics, part of Exact Sciences
Classification: Benign for TENM4-related condition. Last evaluated: 2019-09-18. Review status: no assertion criteria provided. Collection method: clinical testing. Allele origin: germline. Not counted in ClinVar's aggregate classification.
Comment: This variant is classified as benign based on ACMG/AMP sequence variant interpretation guidelines (Richards et al. 2015 PMID: 25741868, with internal and published modifications).

NM_001098816.3(TENM4):c.7840G>A (p.Val2614Met)

Gene: TENM4 (teneurin transmembrane protein 4; minus strand). Cytogenetic location: 11q14.1.
Variant type: single nucleotide variant.
Coding change: c.7840G>A on transcript NM_001098816.3 (MANE Select); coding-DNA position 7840, G replaced by A.
Protein change: p.Val2614Met; replaces valine 2614 with methionine.
Molecular consequence: missense variant.
Genome position (GRCh38, 1-based): chr11:78,658,528, C>T on the plus strand (G>A on the coding strand, the complement: TENM4 is on the minus strand). VCF-style: chr11-78658528-C-T. GRCh37 (hg19) VCF-style: chr11-78369573-C-T.
Other names: p.Val2614Met; short protein forms V2614M.
Identifiers: ClinVar variation 2485392 (VCV002485392.6), dbSNP rs75922333, ClinGen allele CA6206143.
Genomic context (GRCh38, chr11:78,658,528, plus strand): 5'-GGCCCAGGATGGCCAGGTCACCTTCTGAAGGTCCTGGTTTCACAAAGTAATGGGTATCCA[C>T]CCCATCAATGGTGAAGTGCAGGTTCTCTAGGTAGTGGGCATGGTTCAAGATGGCAGCAAC-3'
Protein context (NP_001092286.2, residues 2604-2624): LENLHFTIDG[Val2614Met]DTHYFVKPGP